The following is an entry in ClinVar:

NM_001256627.2(BRSK2):c.1803G>A (p.Ala601=)

Gene: BRSK2 (BR serine/threonine kinase 2; plus strand). Cytogenetic location: 11p15.5.
Variant type: single nucleotide variant.
Coding change: c.1803G>A on transcript NM_001256627.2 (MANE Select); coding-DNA position 1803, G replaced by A.
Protein change: p.Ala601=; no amino-acid change (alanine 601 retained).
Molecular consequence: synonymous variant. On other transcripts: non-coding transcript variant (1).
Genome position (GRCh38, 1-based): chr11:1,456,482, G>A. VCF-style: chr11-1456482-G-A. GRCh37 (hg19) VCF-style: chr11-1477712-G-A.
Other names: c.1623G>A, p.Ala541= (NM_001440675.1, NM_001440676.1, NM_001282218.2 and 3 more transcripts); c.1803G>A, p.Ala601= (NM_003957.4, NM_001256629.2); c.1941G>A, p.Ala647= (NM_001256630.1, NM_001440667.1); c.2235G>A, p.Ala745= (NM_001440665.1); c.2169G>A, p.Ala723= (NM_001440666.1); c.1869G>A, p.Ala623= (NM_001440668.1, NM_001440670.1); c.1689G>A, p.Ala563= (NM_001440671.1, NM_001440672.1).
Identifiers: ClinVar variation 5039983 (VCV005039983.1).

ClinVar aggregate classification (germline): Likely benign (1 of 4 stars; one submission).

gnomAD v4.1: 49 of 1,575,280 alleles (0.0031%); highest among the groups gnomAD compares: Admixed American, 0.016%; no homozygotes.

Submission:

CeGaT Center for Human Genetics Tuebingen
Classification: Likely benign. Last evaluated: 2026-07-01. Review status: criteria provided, single submitter. Criteria: CeGaT Center For Human Genetics Tuebingen Variant Classification Criteria Version 2. Collection method: clinical testing. Allele origin: germline. Affected: yes. Observed: 1 variant allele.
Comment: BRSK2: BP4, BP7